The following is an entry in ClinVar:

NM_024675.4(PALB2):c.2275C>A (p.Gln759Lys)

Gene: PALB2 (partner and localizer of BRCA2; minus strand). Cytogenetic location: 16p12.2.
Variant type: single nucleotide variant.
Coding change: c.2275C>A on transcript NM_024675.4 (MANE Select); coding-DNA position 2275, C replaced by A.
Protein change: p.Gln759Lys; replaces glutamine 759 with lysine.
Molecular consequence: missense variant.
Genome position (GRCh38, 1-based): chr16:23,629,879, G>T on the plus strand (C>A on the coding strand, the complement: PALB2 is on the minus strand). VCF-style: chr16-23629879-G-T. GRCh37 (hg19) VCF-style: chr16-23641200-G-T.
Other names: short protein forms Q759K.
Identifiers: ClinVar variation 126643 (VCV000126643.3), dbSNP rs515726083, ClinGen allele CA269526.
Genomic context (GRCh38, chr16:23,629,879, plus strand): 5'-AACTGTCGAATTGTTTAGTATCACTGGCAAGACAGACTGAGTCTTTCAAATGAGCAAGTT[G>T]GGGTGTGCAGCAAGTTCGTCCAGCAACTTCTGTAGATGCTTTTTCATAGGAGCCTTGAGG-3'
Protein context (NP_078951.2, residues 749-769): EVAGRTCCTP[Gln759Lys]LAHLKDSVCL

ClinVar aggregate classification (germline): Likely benign (0 of 4 stars; one submission).

Conditions:
Familial cancer of breast. Also called: BREAST CANCER, FAMILIAL; hereditary breast carcinoma; Hereditary breast cancer. Identifiers: Orphanet 227535, MedGen C0346153, MONDO:0016419, OMIM 114480. Disease mechanism: loss of function.

Submission:

Leiden Open Variation Database
Classification: Likely benign for Familial cancer of breast. Last evaluated: 2019-05-13. Review status: no assertion criteria provided. Collection method: curation. Allele origin: germline. Affected: yes.
Comment: Curators: Marc Tischkowitz, Arleen D. Auerbach. Submitter to LOVD: Marc Tischkowitz.

Literature cited by the submitters: PubMed 21113654.